The following is an entry in ClinVar:

ClinVar aggregate classification (germline): Benign (1 of 4 stars; one submission).

Conditions:
Familial cancer of breast. Also called: hereditary breast carcinoma; Hereditary breast cancer; BREAST CANCER, FAMILIAL. Identifiers: Orphanet 227535, MedGen C0346153, MONDO:0016419, OMIM 114480. Disease mechanism: loss of function.

gnomAD v4.1: 1 of 1,613,566 alleles (0.000062%); highest among the groups gnomAD compares: Non-Finnish European, 0.000085%; no homozygotes.

Submission:

Myriad Genetics, Inc.
Classification: Benign for Familial cancer of breast. Last evaluated: 2024-08-21. Review status: criteria provided, single submitter. Criteria: Myriad Autosomal Dominant, Autosomal Recessive and X-Linked Classification Criteria (2023). Collection method: clinical testing. Allele origin: unknown.
Comment: This variant is considered benign. This variant is a silent/synonymous amino acid change and it is not expected to impact splicing.

NM_032043.3(BRIP1):c.597G>C (p.Leu199=)

Gene: BRIP1 (BRCA1 interacting DNA helicase 1; minus strand). Cytogenetic location: 17q23.2.
Variant type: single nucleotide variant.
Coding change: c.597G>C on transcript NM_032043.3 (MANE Select); coding-DNA position 597, G replaced by C.
Protein change: p.Leu199=; no amino-acid change (leucine 199 retained).
Molecular consequence: synonymous variant.
Genome position (GRCh38, 1-based): chr17:61,847,131, C>G on the plus strand (G>C on the coding strand, the complement: BRIP1 is on the minus strand). VCF-style: chr17-61847131-C-G. GRCh37 (hg19) VCF-style: chr17-59924492-C-G.
Identifiers: ClinVar variation 3378916 (VCV003378916.1).